The following is an entry in ClinVar:

ClinVar aggregate classification (germline): Uncertain significance (1 of 4 stars; one submission).

Conditions:
Cardiovascular phenotype. Identifiers: MedGen CN230736.

Submission:

Ambry Genetics
Classification: Uncertain significance for Cardiovascular phenotype. Last evaluated: 2025-03-03. Review status: criteria provided, single submitter. Criteria: Ambry Variant Classification Scheme 2023. Collection method: clinical testing. Allele origin: germline.
Comment: The p.C220F variant (also known as c.659G>T), located in coding exon 6 of the SPRED1 gene, results from a G to T substitution at nucleotide position 659. The cysteine at codon 220 is replaced by phenylalanine, an amino acid with highly dissimilar properties. This amino acid position is conserved. In addition, this alteration is predicted to be tolerated by in silico analysis. Based on the available evidence, the clinical significance of this variant remains unclear.

NM_152594.3(SPRED1):c.659G>T (p.Cys220Phe)

Gene: SPRED1 (sprouty related EVH1 domain containing 1; plus strand). Cytogenetic location: 15q14.
Variant type: single nucleotide variant.
Coding change: c.659G>T on transcript NM_152594.3 (MANE Select); coding-DNA position 659, G replaced by T.
Protein change: p.Cys220Phe; replaces cysteine 220 with phenylalanine.
Molecular consequence: missense variant.
Genome position (GRCh38, 1-based): chr15:38,349,498, G>T. VCF-style: chr15-38349498-G-T. GRCh37 (hg19) VCF-style: chr15-38641699-G-T.
Other names: short protein forms C220F.
Identifiers: ClinVar variation 3800934 (VCV003800934.1).